The following is an entry in ClinVar:

NM_004560.4(ROR2):c.1688A>G (p.Glu563Gly)

Gene: ROR2 (receptor tyrosine kinase like orphan receptor 2; minus strand). Cytogenetic location: 9q22.31.
Variant type: single nucleotide variant.
Coding change: c.1688A>G on transcript NM_004560.4 (MANE Select); coding-DNA position 1688, A replaced by G.
Protein change: p.Glu563Gly; replaces glutamic acid 563 with glycine.
Molecular consequence: missense variant.
Genome position (GRCh38, 1-based): chr9:91,724,806, T>C on the plus strand (A>G on the coding strand, the complement: ROR2 is on the minus strand). VCF-style: chr9-91724806-T-C. GRCh37 (hg19) VCF-style: chr9-94487088-T-C.
Other names: c.1688A>G (NM_004560.3); short protein forms E563G.
Identifiers: ClinVar variation 4705435 (VCV004705435.2).

ClinVar aggregate classification (germline): Uncertain significance. Review status: criteria provided, multiple submitters, no conflicts (2 of 4 stars). 2 submissions from 2 submitters: Uncertain significance (2). Last evaluated 2026-01-09.

Conditions:
Inborn genetic diseases. Identifiers: MedGen C0950123, MeSH D030342.

gnomAD v4.1: 8 of 1,608,820 alleles (0.0005%); highest among the groups gnomAD compares: African/African-American, 0.011%; no homozygotes.

Submissions (2):

Ambry Genetics
Classification: Uncertain significance for Inborn genetic diseases. Last evaluated: 2026-01-09. Review status: criteria provided, single submitter. Criteria: Ambry Variant Classification Scheme 2023. Collection method: clinical testing. Allele origin: germline.

Labcorp Genetics (formerly Invitae), Labcorp
Classification: Uncertain significance. Last evaluated: 2025-09-17. Review status: criteria provided, single submitter. Criteria: Invitae Variant Classification Sherloc (09022015). Collection method: clinical testing. Allele origin: germline.
Comment: This sequence change replaces glutamic acid, which is acidic and polar, with glycine, which is neutral and non-polar, at codon 563 of the ROR2 protein (p.Glu563Gly). This variant is present in population databases (rs772019560, gnomAD 0.007%). This variant has not been reported in the literature in individuals affected with ROR2-related conditions. Invitae Evidence Modeling of protein sequence and biophysical properties (such as structural, functional, and spatial information, amino acid conservation, physicochemical variation, residue mobility, and thermodynamic stability) indicates that this missense variant is expected to disrupt ROR2 protein function with a positive predictive value of 80%. In summary, the available evidence is currently insufficient to determine the role of this variant in disease. Therefore, it has been classified as a Variant of Uncertain Significance.